The following is an entry in ClinVar:

NM_000530.8(MPZ):c.116A>C (p.His39Pro)

Gene: MPZ (myelin protein zero; minus strand). Cytogenetic location: 1q23.3.
Variant type: single nucleotide variant.
Coding change: c.116A>C on transcript NM_000530.8 (MANE Select); coding-DNA position 116, A replaced by C.
Protein change: p.His39Pro; replaces histidine 39 with proline.
Molecular consequence: missense variant.
Genome position (GRCh38, 1-based): chr1:161,307,376, T>G on the plus strand (A>C on the coding strand, the complement: MPZ is on the minus strand). VCF-style: chr1-161307376-T-G. GRCh37 (hg19) VCF-style: chr1-161277166-T-G.
Other names: c.116A>C (LRG_256t1); c.116A>C, p.His39Pro (NM_001315491.2); short protein forms H39P.
Identifiers: ClinVar variation 217232 (VCV000217232.38), dbSNP rs371856018, ClinGen allele CA347518.

ClinVar aggregate classification (germline): Pathogenic/Likely pathogenic. Review status: criteria provided, multiple submitters, no conflicts (2 of 4 stars). 9 submissions from 9 submitters: Pathogenic (8); Likely pathogenic (1). Last evaluated 2026-08-11.

Conditions:
MPZ-related disorder. Also called: MPZ-related condition; MPZ-related disorders.
Inborn genetic diseases. Identifiers: MedGen C0950123, MeSH D030342.
Charcot-Marie-Tooth disease, type I (CMT1). Also called: Charcot-Marie-Tooth, Type 1; Charcot-Marie-Tooth disease type 1. Identifiers: Orphanet 65753, MedGen C0751036, MONDO:0019011.
Charcot-Marie-Tooth disease type 1B. Also called: HEREDITARY MOTOR AND SENSORY NEUROPATHY I; HEREDITARY MOTOR AND SENSORY NEUROPATHY IB; PERONEAL MUSCULAR ATROPHY; CHARCOT-MARIE-TOOTH DISEASE, AUTOSOMAL DOMINANT, WITH FOCALLY FOLDED MYELIN SHEATHS, TYPE 1B; CHARCOT-MARIE-TOOTH DISEASE, SLOW NERVE CONDUCTION TYPE, LINKED TO DUFFY; CHARCOT-MARIE-TOOTH NEUROPATHY, TYPE 1B. Identifiers: Orphanet 101082, MedGen C0270912, MONDO:0007307, OMIM 118200.

Allele frequency attached by ClinVar (database versions not stated): TOPMed 0.00001; ESP Exome Variant Server 0.00008; gnomAD 0.00001.

Submissions (9):

GeneDx
Classification: Pathogenic. Last evaluated: 2026-08-11. Review status: criteria provided, single submitter. Criteria: GeneDx Variant Classification Process June 2021. Collection method: clinical testing. Allele origin: germline.
Comment: Reported (sometimes using alternative nomenclature of H10P) in multiple unrelated individuals in published literature with adult-onset neuropathy (PMID: 14711881, 17602703, 25448007, 34232518, 16856127, 38338934); Published functional studies demonstrate a damaging effect: partial loss of function (PMID: 18337304); Not observed at significant frequency in large population cohorts (gnomAD); Missense variants in this gene are a common cause of disease and they are underrepresented in the general population; In silico analysis supports that this missense variant has a deleterious effect on protein structure/function; This variant is associated with the following publications: (PMID: 26310628, 14711881, 17602703, 29687021, 40078221, 36203352, 16856127, 25448007, 20461396, 34232518, 38338934, 16844954, 18337304)

PreventionGenetics, part of Exact Sciences
Classification: Pathogenic for MPZ-related condition. Last evaluated: 2026-04-22. Review status: criteria provided, single submitter. Criteria: ACMG Guidelines, 2015. Collection method: clinical testing. Allele origin: germline.
Comment: The MPZ c.116A>C variant is predicted to result in the amino acid substitution p.His39Pro. This variant has been reported in the heterozygous state in individuals with late-onset Charcot-Marie-Tooth disease (see, for example, Shy et al. 2004. PubMed ID: 14711881, reported as His10Pro; Table S1, Fridman et al. 2022. PubMed ID: 36203352). This variant has also been reported in the heterozygous state in individuals from one large family; affected family members who harbored the variant presented with hereditary motor and sensory neuropathy with variable onset, hearing loss, restless legs, and multiple sclerosis (Kilfoyle et al 2006. PubMed ID: 16844954). In vitro functional analysis suggests that the p.His39Pro change results in moderately decreased intercellular adhesion (Grandis et al. 2008. PubMed ID: 18337304, reported as His10Pro). This variant has not been reported in a large population database, indicating this variant is rare. Taken together, we classify this variant as pathogenic.

Labcorp Genetics (formerly Invitae), Labcorp
Classification: Pathogenic for Charcot-Marie-Tooth disease, type I. Last evaluated: 2026-02-01. Review status: criteria provided, single submitter. Criteria: Invitae Variant Classification Sherloc (09022015). Collection method: clinical testing. Allele origin: germline.
Comment: This sequence change replaces histidine, which is basic and polar, with proline, which is neutral and non-polar, at codon 39 of the MPZ protein (p.His39Pro). This variant is not present in population databases (gnomAD no frequency). This missense change has been observed in individuals with Charcot-Marie-Tooth disease (PMID: 14711881, 16844954, 17602703, 26310628). It has also been observed to segregate with disease in related individuals. Invitae Evidence Modeling of clinical and family history, age, sex, and reported ancestry of multiple individuals with this MPZ variant has been performed. This variant is expected to be pathogenic with a positive predictive value of at least 99%. This is a validated machine learning model that incorporates the clinical features of 13,236 individuals referred to our laboratory for MPZ testing. This variant is also known as p.His10Pro. ClinVar contains an entry for this variant (Variation ID: 217232). Invitae Evidence Modeling of protein sequence and biophysical properties (such as structural, functional, and spatial information, amino acid conservation, physicochemical variation, residue mobility, and thermodynamic stability) has been performed for this missense variant. However, the output from this modeling did not meet the statistical confidence thresholds required to predict the impact of this variant on MPZ protein function. Experimental studies have shown that this missense change affects MPZ function (PMID: 18337304). For these reasons, this variant has been classified as Pathogenic.

Athena Diagnostics
Classification: Pathogenic. Last evaluated: 2025-08-22. Review status: criteria provided, single submitter. Criteria: Athena Diagnostics Criteria. Collection method: clinical testing. Allele origin: unknown.
Comment: The frequency of this variant in the general population is consistent with pathogenicity. In some published literature, this variant is referred to as p.His10Pro. This variant has been identified in multiple unrelated individuals with adult onset Charcot-Marie-Tooth disease. This variant occurs as the most likely explanation for disease in a significant number of internal cases, suggesting this variant is associated with disease. Polyphen and MutationTaster yielded discordant predictions regarding whether this amino acid change is damaging to the protein. The variant is located in a region that is considered important for protein function and/or structure.

Mayo Clinic Laboratories, Mayo Clinic
Classification: Pathogenic. Last evaluated: 2025-04-11. Review status: criteria provided, single submitter. Criteria: ACMG Guidelines, 2015. Collection method: clinical testing. Allele origin: germline. Observed: 2 variant alleles.
Comment: BP4, PP1_strong, PM2_supporting, PS3_moderate, PS4

Institute of Human Genetics, University of Leipzig Medical Center
Classification: Likely pathogenic for Charcot-Marie-Tooth disease type 1B. Last evaluated: 2024-06-12. Review status: criteria provided, single submitter. Criteria: ACMG Guidelines, 2015. Collection method: clinical testing. Allele origin: unknown. Inheritance: Autosomal dominant inheritance. Affected: yes.
Comment: Criteria applied: PS3,PM1,PS4_SUP,PM2_SUP

Women's Health and Genetics/Laboratory Corporation of America, LabCorp
Classification: Pathogenic for MPZ-Related Disorders. Last evaluated: 2024-05-15. Review status: criteria provided, single submitter. Criteria: LabCorp Variant Classification Summary - May 2015. Collection method: clinical testing. Allele origin: germline.
Comment: Variant summary: MPZ c.116A>C (p.His39Pro) results in a non-conservative amino acid change in the encoded protein sequence. Three of five in-silico tools predict a benign effect of the variant on protein function. The variant was absent in 251300 control chromosomes. c.116A>C has been reported in the literature in multiple individuals affected with MPZ-Related Disorders. These data indicate that the variant is very likely to be associated with disease. ClinVar contains an entry for this variant (Variation ID: 217232). Based on the evidence outlined above, the variant was classified as pathogenic.

ARUP Laboratories, Molecular Genetics and Genomics, ARUP Laboratories
Classification: Pathogenic. Last evaluated: 2023-02-21. Review status: criteria provided, single submitter. Criteria: ARUP Molecular Germline Variant Investigation Process 2024. Collection method: clinical testing. Allele origin: germline.
Comment: The MPZ c.116A>C; p.His39Pro variant (rs371856018) is reported in the literature in numerous individuals affected with Charcot-Marie-Tooth syndrome or neuropathy (Kilfoyle 2006, Sanmaneechai 2015, Shy 2004, Souayah 2007). This variant was observed to co-segregate with disease in multiple families (Kilfoyle 2006, Shy 2004, Souayah 2007), including one large family where it was observed in 10 affected individuals and was absent from 24 unaffected individuals (Kilfoyle 2006). This variant is absent from the Genome Aggregation Database, indicating it is not a common polymorphism. Based on available information, including its occurrence in a large number of affected individuals, this variant is considered to be pathogenic. References: Kilfoyle DH et al. Myelin protein zero mutation His39Pro: hereditary motor and sensory neuropathy with variable onset, hearing loss, restless legs and multiple sclerosis. J Neurol Neurosurg Psychiatry. 2006 Aug;77(8):963-6. Sanmaneechai O et al. Genotype-phenotype characteristics and baseline natural history of heritable neuropathies caused by mutations in the MPZ gene. Brain. 2015 Nov;138(Pt 11):3180-92. Shy ME et al. Phenotypic clustering in MPZ mutations. Brain. 2004 Feb;127(Pt 2):371-84. Souayah N et al. Rare myelin protein zero sequence variant in late onset CMT1B. J Neurol Sci. 2007 Dec 15;263(1-2):177-9.

Ambry Genetics
Classification: Pathogenic for Inborn genetic diseases. Last evaluated: 2022-11-21. Review status: criteria provided, single submitter. Criteria: Ambry Variant Classification Scheme 2023. Collection method: clinical testing. Allele origin: germline.
Comment: The c.116A>C (p.H39P) alteration is located in exon 2 (coding exon 2) of the MPZ gene. This alteration results from a A to C substitution at nucleotide position 116, causing the histidine (H) at amino acid position 39 to be replaced by a proline (P). This variant was not reported in population-based cohorts in the Genome Aggregation Database (gnomAD). This variant has been reported in multiple individuals with adult-onset demyelinating Charcot-Marie-Tooth disease type 1B and cosegregates with disease in two families (Shy, 2004; Kilfoyle, 2006; Souayah, 2007). This amino acid position is not well conserved in available vertebrate species. This alteration was found to be functionally abnormal in an assay of MPZ-mediated intercellular adhesion (Grandis, 2008). This alteration is predicted to be tolerated by in silico analysis. Based on the available evidence, this alteration is classified as pathogenic.

Literature cited by the submitters: PubMed 14711881 (cited by 4 submitters); PubMed 16844954 (cited by 4 submitters); PubMed 17602703 (cited by 3 submitters); PubMed 26310628 (cited by 4 submitters); PubMed 18337304 (cited by 4 submitters); PubMed 25448007 (cited by Athena Diagnostics and Mayo Clinic Laboratories, Mayo Clinic); PubMed 34232518 (cited by 3 submitters); PubMed 29687021 (cited by 3 submitters); PubMed 36203352 (cited by Mayo Clinic Laboratories, Mayo Clinic); PubMed 38338934 (cited by Mayo Clinic Laboratories, Mayo Clinic); PubMed 16856127 (cited by Ambry Genetics).